The following continues an entry in ClinVar:

NM_000089.4(COL1A2):c.838G>A (p.Gly280Ser)

Gene: COL1A2. ClinVar aggregate classification (germline): Pathogenic. Pathogenic (16).

Submissions 9 to 18 of 18:

GeneDx
Classification: Pathogenic. Last evaluated: 2023-10-03. Review status: criteria provided, single submitter. Criteria: GeneDx Variant Classification Process June 2021. Collection method: clinical testing. Allele origin: germline. Affected: yes.
Comment: Identified in multiple other unrelated patients with OI types I and IV in published literature (Roschger et al., 2008; Zhang et al., 2012; Rauch et al., 2014; Maioli et al., 2019); In silico analysis supports that this missense variant has a deleterious effect on protein structure/function; Occurs in the triple helical domain and replaces a glycine in a canonical Gly-X-Y repeat; missense substitution of a canonical glycine residue is expected to disrupt normal protein folding and function, and this is an established mechanism of disease (Jovanovic et al., 2021); Not observed at significant frequency in large population cohorts (gnomAD); This variant is associated with the following publications: (PMID: 25086671, 17078022, 30886339, 28378289, 21667357, 10807697, 31414283, 26177859, 18311573, 34007986, 35909573, 37758163)

Institute of Human Genetics, University of Leipzig Medical Center
Classification: Pathogenic for Increased susceptibility to fractures. Last evaluated: 2022-05-25. Review status: criteria provided, single submitter. Criteria: ACMG Guidelines, 2015. Collection method: clinical testing. Allele origin: unknown. Affected: yes.
Comment: _x000D_ Criteria applied: PM1_STR, PS4_MOD, PM5, PP3, PP4

Institute of Human Genetics, University of Leipzig Medical Center
Classification: Pathogenic for Osteogenesis imperfecta, perinatal lethal. Last evaluated: 2022-05-25. Review status: criteria provided, single submitter. Criteria: ACMG Guidelines, 2015. Collection method: clinical testing. Allele origin: unknown. Inheritance: Autosomal dominant inheritance. Affected: yes.
Comment: Criteria applied: PM1_STR,PS4_MOD,PM5,PP3,PP4

MGZ Medical Genetics Center
Classification: Pathogenic for Combined osteogenesis imperfecta and Ehlers-Danlos syndrome 2. Last evaluated: 2022-02-21. Review status: criteria provided, single submitter. Criteria: ACMG Guidelines, 2015. Collection method: clinical testing. Allele origin: germline. Affected: yes. Observed: 1 variant allele.
Comment: ACMG criteria applied: PS4, PM1, PM2_SUP, PP2, PP3, PP4

Revvity Omics, Revvity
Classification: Pathogenic. Last evaluated: 2019-07-23. Review status: criteria provided, single submitter. Criteria: ACMG Guidelines, 2015. Collection method: clinical testing. Allele origin: germline.

Athena Diagnostics
Classification: Pathogenic. Last evaluated: 2014-11-17. Review status: criteria provided, single submitter. Criteria: Athena Diagnostics Criteria. Collection method: clinical testing. Allele origin: germline.

Women's Health and Genetics/Laboratory Corporation of America, LabCorp
Classification: Pathogenic for Osteogenesis Imperfecta. Last evaluated: 2011-08-18. Review status: criteria provided, single submitter. Criteria: LabCorp Variant Classification Summary - May 2015. Collection method: curation, clinical testing. Allele origin: germline. Inheritance: autosomal dominant. Affected: yes. Observed: 9 variant alleles.
ClinVar note: Converted during submission from pathogenic to Pathogenic.

Juno Genomics, Hangzhou Juno Genomics, Inc
Classification: Pathogenic for Osteoporosis; Combined osteogenesis imperfecta and Ehlers-Danlos syndrome 2; Ehlers-Danlos syndrome, arthrochalasia type, 2; Ehlers-Danlos syndrome, cardiac valvular type; Osteogenesis imperfecta, perinatal lethal; Osteogenesis imperfecta type III; Osteogenesis imperfecta with normal sclerae, dominant form. Review status: criteria provided, single submitter. Criteria: ACMG Guidelines, 2015. Collection method: clinical testing. Allele origin: germline.
Comment: Absent from controls (or at extremely low frequency if recessive) in Genome Aggregation Database.;Multiple lines of computational evidence support a deleterious effect on the gene or gene product.;Missense variant in a gene that has a low rate of benign missense variation.;The prevalence of the variant in affected individuals is significantly increased compared to the prevalence in controls.;Patient's phenotype or family history is highly specific for a disease with a single genetic etiology.;Novel missense change at an amino acid residue where a different missense change determined to be pathogenic has been seen before.

Genome Diagnostics Laboratory, Amsterdam University Medical Center
Classification: Pathogenic. Review status: no assertion criteria provided. Collection method: clinical testing. Allele origin: germline. Affected: yes. Study: VKGL Data-share Consensus. Not counted in ClinVar's aggregate classification.

Joint Genome Diagnostic Labs from Nijmegen and Maastricht, Radboudumc and MUMC+
Classification: Likely pathogenic. Review status: no assertion criteria provided. Collection method: clinical testing. Allele origin: germline. Affected: yes. Study: VKGL Data-share Consensus. Not counted in ClinVar's aggregate classification.

Literature cited by the submitters: PubMed 38536562 (cited by OLLIN Analises Genomicas, OLLIN and Ambry Genetics); PubMed 37758163 (cited by OLLIN Analises Genomicas, OLLIN and Ambry Genetics); PubMed 9016532 (cited by 3 submitters); PubMed 17078022 (cited by 5 submitters); PubMed 21667357 (cited by Labcorp Genetics (formerly Invitae), Labcorp and Athena Diagnostics); PubMed 26177859 (cited by Labcorp Genetics (formerly Invitae), Labcorp); PubMed 28378289 (cited by Labcorp Genetics (formerly Invitae), Labcorp); PubMed 7695699 (cited by Labcorp Genetics (formerly Invitae), Labcorp and Ambry Genetics); PubMed 8218237 (cited by Labcorp Genetics (formerly Invitae), Labcorp); PubMed 19344236 (cited by Labcorp Genetics (formerly Invitae), Labcorp); PubMed 19011090 (cited by Ambry Genetics); PubMed 27509835 (cited by Ambry Genetics); PubMed 37270749 (cited by Ambry Genetics); PubMed 18311573 (cited by Athena Diagnostics and Women's Health and Genetics/Laboratory Corporation of America, LabCorp).